The following is an entry in ClinVar:

NM_002905.5(RDH5):c.814_815del (p.Leu272fs)

Genes: RDH5 (retinol dehydrogenase 5; plus strand), BLOC1S1-RDH5 (BLOC1S1-RDH5 readthrough; plus strand), CD63 (CD63 molecule; minus strand). Cytogenetic location: 12q13.2.
Variant type: Deletion.
Coding change: c.814_815del on transcript NM_002905.5 (MANE Select); coding-DNA positions 814 to 815, 2 bases deleted (CT; older notation c.814_815delCT).
Protein change: p.Leu272fs; shifts the reading frame from leucine 272.
Molecular consequence: frameshift variant. On other transcripts: non-coding transcript variant (1).
Genome position (GRCh38, 1-based): chr12:55,724,402-55,724,403, CT deleted. VCF-style (leftmost placement, unchanged base first): chr12-55724401-CCT-C. GRCh37 (hg19) VCF-style: chr12-56118185-CCT-C.
Other names: c.814_815del, p.Leu272fs (NM_001199771.3); short protein forms L272fs.
Identifiers: ClinVar variation 281407 (VCV000281407.16), dbSNP rs765714290, ClinGen allele CA6616966.

ClinVar aggregate classification (germline): Pathogenic/Likely pathogenic. Review status: criteria provided, multiple submitters, no conflicts (2 of 4 stars). 3 submissions from 3 submitters: Pathogenic (2); Likely pathogenic (1). Last evaluated 2024-11-27.

Conditions:
RDH5-related disorder. Also called: RDH5-related condition.

Allele frequency attached by ClinVar (database versions not stated): ExAC 0.00001; gnomAD 0.00001; gnomAD exomes 0.00001; TOPMed 0.00002.

Submissions (3):

Labcorp Genetics (formerly Invitae), Labcorp
Classification: Pathogenic. Last evaluated: 2024-11-27. Review status: criteria provided, single submitter. Criteria: Invitae Variant Classification Sherloc (09022015). Collection method: clinical testing. Allele origin: germline.
Comment: This sequence change results in a frameshift in the RDH5 gene (p.Leu272Aspfs*63). While this is not anticipated to result in nonsense mediated decay, it is expected to disrupt the last 47 amino acid(s) of the RDH5 protein and extend the protein by 15 additional amino acid residues. This variant is present in population databases (rs765714290, gnomAD 0.003%). This variant has not been reported in the literature in individuals affected with RDH5-related conditions. ClinVar contains an entry for this variant (Variation ID: 281407). This variant disrupts a region of the RDH5 protein in which other variant(s) (p.Arg278*) have been determined to be pathogenic (PMID: 25170858). This suggests that this is a clinically significant region of the protein, and that variants that disrupt it are likely to be disease-causing. For these reasons, this variant has been classified as Pathogenic.

Blueprint Genetics
Classification: Likely pathogenic for RDH5-related disorders. Last evaluated: 2021-03-30. Review status: criteria provided, single submitter. Criteria: ACMG Guidelines, 2015. Collection method: clinical testing. Allele origin: germline. Affected: yes. Observed: 2 variant alleles.

Eurofins Ntd Llc (ga)
Classification: Pathogenic. Last evaluated: 2015-06-19. Review status: criteria provided, single submitter. Criteria: EGL Classification Definitions 2015. Collection method: clinical testing. Allele origin: germline. Observed: 1 variant allele, 1 heterozygote.

Literature cited by the submitters: PubMed 25170858 (cited by Labcorp Genetics (formerly Invitae), Labcorp).